The following is an entry in ClinVar:

ClinVar aggregate classification (germline): Pathogenic (1 of 4 stars; one submission).

Conditions:
Fanconi anemia (FA). Also called: Fanconi's anemia. Identifiers: Orphanet 84, MedGen C0015625, MeSH D005199, MONDO:0019391.

Submission:

Labcorp Genetics (formerly Invitae), Labcorp
Classification: Pathogenic for Fanconi anemia. Last evaluated: 2023-05-20. Review status: criteria provided, single submitter. Criteria: Invitae Variant Classification Sherloc (09022015). Collection method: clinical testing. Allele origin: unknown.
Comment: For these reasons, this variant has been classified as Pathogenic. This variant has not been reported in the literature in individuals affected with FANCI-related conditions. This variant is a gross deletion of the genomic region encompassing exon(s) 2-10 of the FANCI gene, which includes the initiator codon. This deletion extends beyond the assayed region for this gene and therefore may encompass additional genes. It is expected to result in an absent or disrupted protein product. Loss-of-function variants in FANCI are known to be pathogenic (PMID: 17452773, 17460694).

Literature cited by the submitters: PubMed 17452773; PubMed 17460694.

NC_000015.9:g.(?_89790879)_(89811776_?)del

Gene: FANCI (FA complementation group I; plus strand). Cytogenetic location: 15q26.1.
Variant type: Deletion.
Identifiers: ClinVar variation 3243701 (VCV003243701.1).